The following is an entry in ClinVar:

ClinVar aggregate classification (germline): Benign (1 of 4 stars; one submission).

Conditions:
Weill-Marchesani 4 syndrome, recessive. Also called: Weill-Marchesani syndrome 4. Identifiers: Orphanet 363992, MedGen C2750787, MONDO:0013176, OMIM 613195.

Allele frequency attached by ClinVar (database versions not stated): 1000 Genomes Project 0.01418; 1000 Genomes Project 30x 0.01515.

Submission:

Illumina Laboratory Services, Illumina
Classification: Benign for Weill-Marchesani 4 syndrome, recessive. Last evaluated: 2018-01-13. Review status: criteria provided, single submitter. Criteria: ICSL Variant Classification Criteria 13 December 2019. Collection method: clinical testing. Allele origin: germline.
Comment: This variant was observed in the ICSL laboratory as part of a predisposition screen in an ostensibly healthy population. It had not been previously curated by ICSL or reported in the Human Gene Mutation Database (HGMD: prior to June 1st, 2018), and was therefore a candidate for classification through an automated scoring system. Utilizing variant allele frequency, disease prevalence and penetrance estimates, and inheritance mode, an automated score was calculated to assess if this variant is too frequent to cause the disease. Based on the score and internal cut-off values, a variant classified as benign is not then subjected to further curation. The score for this variant resulted in a classification of benign for this disease.

NM_139057.4(ADAMTS17):c.*2354C>T

Gene: ADAMTS17 (ADAM metallopeptidase with thrombospondin type 1 motif 17; minus strand). Cytogenetic location: 15q26.3.
Variant type: single nucleotide variant.
Coding change: c.*2354C>T on transcript NM_139057.4 (MANE Select); 2354 bases downstream of the stop codon, C replaced by T.
Molecular consequence: 3 prime UTR variant.
Genome position (GRCh38, 1-based): chr15:99,972,048, G>A on the plus strand (C>T on the coding strand, the complement: ADAMTS17 is on the minus strand). VCF-style: chr15-99972048-G-A. GRCh37 (hg19) VCF-style: chr15-100512253-G-A.
Identifiers: ClinVar variation 315146 (VCV000315146.5), dbSNP rs8036076, ClinGen allele CA10646836.